The following is an entry in ClinVar:

NM_015274.3(MAN2B2):c.1194G>A (p.Leu398=)

Gene: MAN2B2 (mannosidase alpha class 2B member 2; plus strand). Cytogenetic location: 4p16.1.
Variant type: single nucleotide variant.
Coding change: c.1194G>A on transcript NM_015274.3 (MANE Select); coding-DNA position 1194, G replaced by A.
Protein change: p.Leu398=; no amino-acid change (leucine 398 retained).
Molecular consequence: synonymous variant.
Genome position (GRCh38, 1-based): chr4:6,597,249, G>A. VCF-style: chr4-6597249-G-A. GRCh37 (hg19) VCF-style: chr4-6598976-G-A.
Other names: c.1041G>A, p.Leu347= (NM_001292038.2).
Identifiers: ClinVar variation 4689164 (VCV004689164.1).

ClinVar aggregate classification (germline): Benign (1 of 4 stars; one submission).

gnomAD v4.1: 7,581 of 1,601,062 alleles (0.47%); highest among the groups gnomAD compares: African/African-American, 9.2%; 347 homozygotes.

Submission:

Women's Health and Genetics/Laboratory Corporation of America, LabCorp
Classification: Benign. Last evaluated: 2026-01-28. Review status: criteria provided, single submitter. Criteria: LabCorp Variant Classification Summary - May 2015. Collection method: clinical testing. Allele origin: germline.
Comment: Variant summary: MAN2B2 c.1194G>A results in a synonymous change. Consensus agreement among computation tools predict no significant impact on normal splicing. However, these predictions have yet to be confirmed by functional studies. The variant allele was found at a frequency of 0.0064 in 242058 control chromosomes in the gnomAD database, including 64 homozygotes. The observed variant frequency exceeds the estimated maximal expected allele frequency for disease-causing variants in MAN2B2. To our knowledge, no occurrence of c.1194G>A in individuals affected with MAN2B2-related conditions and no experimental evidence demonstrating its impact on protein function have been reported. No submitters have cited clinical-significance assessments for this variant to ClinVar. Based on the evidence outlined above, the variant was classified as benign.